The following is an entry in ClinVar:

ClinVar aggregate classification (germline): Likely pathogenic (1 of 4 stars; one submission).

Conditions:
ROGDI-related disorder. Also called: ROGDI-related condition.

Submission:

PreventionGenetics, part of Exact Sciences
Classification: Likely pathogenic for ROGDI-related condition. Last evaluated: 2025-03-24. Review status: criteria provided, single submitter. Criteria: ACMG Guidelines, 2015. Collection method: clinical testing. Allele origin: germline.
Comment: The ROGDI c.201-1G>A variant is predicted to disrupt the AG splice acceptor site and interfere with normal splicing. To our knowledge, this variant has not been reported in the literature or in a large population database (gnomAD), indicating this variant is rare. An alternative nucleotide change affecting the same consensus splice acceptor site (c.201-1G>T) has been reported in the homozygous state in three individuals (two siblings and a third unrelated proband) with Kohlschutter-Tonz syndrome (Akgün-Doğan et al. 2021. PubMed ID: 33866847). Variants that disrupt the consensus splice acceptor site in ROGDI are expected to be pathogenic. This variant is interpreted as likely pathogenic.

NM_024589.3(ROGDI):c.201-1G>A

Gene: ROGDI (rogdi atypical leucine zipper; minus strand). Cytogenetic location: 16p13.3.
Variant type: single nucleotide variant.
Coding change: c.201-1G>A on transcript NM_024589.3 (MANE Select); the canonical splice acceptor site of the intron before coding-DNA position 201, G replaced by A.
Molecular consequence: splice acceptor variant.
Genome position (GRCh38, 1-based): chr16:4,801,322, C>T on the plus strand (G>A on the coding strand, the complement: ROGDI is on the minus strand). VCF-style: chr16-4801322-C-T. GRCh37 (hg19) VCF-style: chr16-4851323-C-T.
Identifiers: ClinVar variation 4983765 (VCV004983765.1).